The following is an entry in ClinVar:

ClinVar aggregate classification (germline): Benign (1 of 4 stars; one submission).

Allele frequency attached by ClinVar (database versions not stated): gnomAD 0.23089 and 0.23766; TOPMed 0.24086; 1000 Genomes Project 0.24141; 1000 Genomes Project 30x 0.24610.
gnomAD v4.1: 35,055 of 151,634 alleles (23%); highest among the groups gnomAD compares: African/African-American, 39%; 4,829 homozygotes.

Submission:

GeneDx
Classification: Benign. Last evaluated: 2018-06-14. Review status: criteria provided, single submitter. Criteria: GeneDx Variant Classification (06012015). Collection method: clinical testing. Allele origin: germline. Affected: yes.
Comment: This variant is considered likely benign or benign based on one or more of the following criteria: it is a conservative change, it occurs at a poorly conserved position in the protein, it is predicted to be benign by multiple in silico algorithms, and/or has population frequency not consistent with disease.

NM_003850.3(SUCLA2):c.271+268A>G

Gene: SUCLA2 (succinate-CoA ligase ADP-forming subunit beta; minus strand). Cytogenetic location: 13q14.2.
Variant type: single nucleotide variant.
Coding change: c.271+268A>G on transcript NM_003850.3 (MANE Select); 268 bases into the intron after coding-DNA position 271, A replaced by G.
Molecular consequence: intron variant.
Genome position (GRCh38, 1-based): chr13:47,996,575, T>C on the plus strand (A>G on the coding strand, the complement: SUCLA2 is on the minus strand). VCF-style: chr13-47996575-T-C. GRCh37 (hg19) VCF-style: chr13-48570710-T-C.
Identifiers: ClinVar variation 671225 (VCV000671225.1), dbSNP rs8001871, ClinGen allele CA13885676.